The following is an entry in ClinVar:

ClinVar aggregate classification (germline): Uncertain significance (1 of 4 stars; one submission).

Conditions:
Long QT syndrome (LQTS). Identifiers: MedGen C0023976, MeSH D008133, MONDO:0002442. Disease mechanism: loss of function. Inheritance: Various modes of inheritance.

Submission:

Labcorp Genetics (formerly Invitae), Labcorp
Classification: Uncertain significance for Long QT syndrome. Last evaluated: 2025-08-25. Review status: criteria provided, single submitter. Criteria: Invitae Variant Classification Sherloc (09022015). Collection method: clinical testing. Allele origin: germline.
Comment: This sequence change replaces aspartic acid, which is acidic and polar, with glutamic acid, which is acidic and polar, at codon 955 of the ANK2 protein (p.Asp955Glu). This variant is not present in population databases (gnomAD no frequency). This variant has not been reported in the literature in individuals affected with ANK2-related conditions. Invitae Evidence Modeling of protein sequence and biophysical properties (such as structural, functional, and spatial information, amino acid conservation, physicochemical variation, residue mobility, and thermodynamic stability) indicates that this missense variant is not expected to disrupt ANK2 protein function with a negative predictive value of 80%. In summary, the available evidence is currently insufficient to determine the role of this variant in disease. Therefore, it has been classified as a Variant of Uncertain Significance.

NM_001148.6(ANK2):c.2865C>G (p.Asp955Glu)

Gene: ANK2 (ankyrin 2; plus strand). Cytogenetic location: 4q26.
Variant type: single nucleotide variant.
Coding change: c.2865C>G on transcript NM_001148.6 (MANE Select); coding-DNA position 2865, C replaced by G.
Protein change: p.Asp955Glu; replaces aspartic acid 955 with glutamic acid.
Molecular consequence: missense variant.
Genome position (GRCh38, 1-based): chr4:113,318,585, C>G. VCF-style: chr4-113318585-C-G. GRCh37 (hg19) VCF-style: chr4-114239741-C-G.
Other names: c.2802C>G, p.Asp934Glu (NM_001127493.3, NM_001354243.2, NM_001354255.2 and 3 more transcripts); c.2877C>G, p.Asp959Glu (NM_001354225.2); c.2865C>G, p.Asp955Glu (NM_001354228.2, NM_001354232.2, NM_001354258.2 and 1 more transcripts); c.2907C>G, p.Asp969Glu (NM_001354230.2, NM_001354231.2, NM_001354237.2 and 1 more transcripts); c.2862C>G, p.Asp954Glu (NM_001354235.2, NM_001354236.2, NM_001354246.2 and 1 more transcripts); c.2799C>G, p.Asp933Glu (NM_001354239.2, NM_001354244.2, NM_001354252.2 and 3 more transcripts); c.2910C>G, p.Asp970Glu (NM_001354240.2, NM_001354241.2, NM_001386144.1); c.2766C>G, p.Asp922Glu (NM_001354245.2, NM_001354268.2); and 17 more; short protein forms D954E, D955E, D959E, D974E, D164E, D884E, D922E, D926E.
Identifiers: ClinVar variation 4745897 (VCV004745897.1).